The following is an entry in ClinVar:

ClinVar aggregate classification (germline): Uncertain significance. Review status: criteria provided, multiple submitters, no conflicts (2 of 4 stars). 3 submissions from 3 submitters: Uncertain significance (3). Last evaluated 2025-11-03.

Conditions:
Cardiovascular phenotype. Identifiers: MedGen CN230736.
Hereditary cancer-predisposing syndrome. Also called: Hereditary Cancer Syndrome; Hereditary neoplastic syndrome; Tumor predisposition; Neoplastic Syndromes, Hereditary. Identifiers: Orphanet 140162, MedGen C0027672, MeSH D009386, MONDO:0015356.
Neurofibromatosis, type 1 (NF1). Also called: VON RECKLINGHAUSEN DISEASE; NEUROFIBROMATOSIS, TYPE I, SOMATIC; Peripheral type neurofibromatosis; Neurofibromatosis, type I. Identifiers: Orphanet 636, MedGen C0027831, MONDO:0018975, OMIM 162200. Disease mechanism: loss of function.

Submissions (3):

Ambry Genetics
Classification: Uncertain significance for Cardiovascular phenotype; Hereditary cancer-predisposing syndrome. Last evaluated: 2025-11-03. Review status: criteria provided, single submitter. Criteria: Ambry Variant Classification Scheme 2023. Collection method: clinical testing. Allele origin: germline.
Comment: The p.H435R variant (also known as c.1304A>G), located in coding exon 12 of the NF1 gene, results from an A to G substitution at nucleotide position 1304. The histidine at codon 435 is replaced by arginine, an amino acid with highly similar properties. This amino acid position is well conserved in available vertebrate species. In addition, the in silico prediction for this alteration is inconclusive. Based on the available evidence, the clinical significance of this variant remains unclear.

GeneDx
Classification: Uncertain significance. Last evaluated: 2025-05-09. Review status: criteria provided, single submitter. Criteria: GeneDx Variant Classification Process June 2021. Collection method: clinical testing. Allele origin: germline. Affected: yes.
Comment: Not observed at significant frequency in large population cohorts (gnomAD); In silico analysis suggests that this missense variant does not alter protein structure/function; Has not been previously published as pathogenic or benign to our knowledge

Labcorp Genetics (formerly Invitae), Labcorp
Classification: Uncertain significance for Neurofibromatosis, type 1. Last evaluated: 2025-02-13. Review status: criteria provided, single submitter. Criteria: Invitae Variant Classification Sherloc (09022015). Collection method: clinical testing. Allele origin: germline.
Comment: This sequence change replaces histidine, which is basic and polar, with arginine, which is basic and polar, at codon 435 of the NF1 protein (p.His435Arg). This variant is not present in population databases (gnomAD no frequency). This variant has not been reported in the literature in individuals affected with NF1-related conditions. ClinVar contains an entry for this variant (Variation ID: 457528). Invitae Evidence Modeling of protein sequence and biophysical properties (such as structural, functional, and spatial information, amino acid conservation, physicochemical variation, residue mobility, and thermodynamic stability) indicates that this missense variant is not expected to disrupt NF1 protein function with a negative predictive value of 95%. In summary, the available evidence is currently insufficient to determine the role of this variant in disease. Therefore, it has been classified as a Variant of Uncertain Significance.

NM_001042492.3(NF1):c.1304A>G (p.His435Arg)

Gene: NF1 (neurofibromin 1; plus strand). Cytogenetic location: 17q11.2.
Variant type: single nucleotide variant.
Coding change: c.1304A>G on transcript NM_001042492.3 (MANE Select); coding-DNA position 1304, A replaced by G.
Protein change: p.His435Arg; replaces histidine 435 with arginine.
Molecular consequence: missense variant.
Genome position (GRCh38, 1-based): chr17:31,206,283, A>G. VCF-style: chr17-31206283-A-G. GRCh37 (hg19) VCF-style: chr17-29533301-A-G.
Other names: c.1304A>G, p.His435Arg (NM_000267.4, NM_001128147.3); short protein forms H435R.
Identifiers: ClinVar variation 457528 (VCV000457528.9), dbSNP rs1555611571, ClinGen allele CA398999317.